The following is an entry in ClinVar:

ClinVar aggregate classification (germline): Uncertain significance (1 of 4 stars; one submission).

Conditions:
Hypertrophic cardiomyopathy. Also called: HYPERTROPHIC MYOCARDIOPATHY. Identifiers: Orphanet 217569, MedGen C0007194, MeSH D002312, MONDO:0005045, HP:0001639.

Submission:

Labcorp Genetics (formerly Invitae), Labcorp
Classification: Uncertain significance for Hypertrophic cardiomyopathy. Last evaluated: 2022-09-01. Review status: criteria provided, single submitter. Criteria: Invitae Variant Classification Sherloc (09022015). Collection method: clinical testing. Allele origin: germline.
Comment: In summary, the available evidence is currently insufficient to determine the role of this variant in disease. Therefore, it has been classified as a Variant of Uncertain Significance. This variant is found within a region of MYH7 between codons 181 and 937 that contains the majority of the myosin head domain. Missense variants in this region have been shown to be significantly overrepresented in individuals with hypertrophic cardiomyopathy (PMID: 27532257). Algorithms developed to predict the effect of missense changes on protein structure and function are either unavailable or do not agree on the potential impact of this missense change (SIFT: "Deleterious"; PolyPhen-2: "Probably Damaging"; Align-GVGD: "Class C0"). ClinVar contains an entry for this variant (Variation ID: 1353468). This variant has not been reported in the literature in individuals affected with MYH7-related conditions. This variant is not present in population databases (gnomAD no frequency). This sequence change replaces isoleucine, which is neutral and non-polar, with methionine, which is neutral and non-polar, at codon 248 of the MYH7 protein (p.Ile248Met).

Literature cited by the submitters: PubMed 27532257.

NM_000257.4(MYH7):c.744T>G (p.Ile248Met)

Gene: MYH7 (myosin heavy chain 7; minus strand). Cytogenetic location: 14q11.2.
Variant type: single nucleotide variant.
Coding change: c.744T>G on transcript NM_000257.4 (MANE Select); coding-DNA position 744, T replaced by G.
Protein change: p.Ile248Met; replaces isoleucine 248 with methionine.
Molecular consequence: missense variant.
Genome position (GRCh38, 1-based): chr14:23,431,470, A>C on the plus strand (T>G on the coding strand, the complement: MYH7 is on the minus strand). VCF-style: chr14-23431470-A-C. GRCh37 (hg19) VCF-style: chr14-23900679-A-C.
Other names: short protein forms I248M.
Identifiers: ClinVar variation 1353468 (VCV001353468.8), dbSNP rs2138681308, ClinGen allele CA389052136.